The following is an entry in ClinVar:

NM_002692.4(POLE2):c.283C>T (p.Pro95Ser)

Gene: POLE2 (DNA polymerase epsilon 2, accessory subunit; minus strand). Cytogenetic location: 14q21.3.
Variant type: single nucleotide variant.
Coding change: c.283C>T on transcript NM_002692.4 (MANE Select); coding-DNA position 283, C replaced by T.
Protein change: p.Pro95Ser; replaces proline 95 with serine.
Molecular consequence: missense variant. On other transcripts: intron variant (1).
Genome position (GRCh38, 1-based): chr14:49,674,390, G>A on the plus strand (C>T on the coding strand, the complement: POLE2 is on the minus strand). VCF-style: chr14-49674390-G-A. GRCh37 (hg19) VCF-style: chr14-50141108-G-A.
Other names: c.283C>T, p.Pro95Ser (NM_001197331.3, NM_001348384.2); c.52C>T, p.Pro18Ser (NM_001348385.2); c.246-174C>T (NM_001197330.2); short protein forms P18S, P95S.
Identifiers: ClinVar variation 3668598 (VCV003668598.2).

ClinVar aggregate classification (germline): Uncertain significance (1 of 4 stars; one submission).

gnomAD v4.1: 2 of 1,610,816 alleles (0.00012%); highest among the groups gnomAD compares: Non-Finnish European, 0.00017%; no homozygotes.

Submission:

Labcorp Genetics (formerly Invitae), Labcorp
Classification: Uncertain significance. Last evaluated: 2024-04-17. Review status: criteria provided, single submitter. Criteria: Invitae Variant Classification Sherloc (09022015). Collection method: clinical testing. Allele origin: germline.
Comment: This sequence change replaces proline, which is neutral and non-polar, with serine, which is neutral and polar, at codon 95 of the POLE2 protein (p.Pro95Ser). This variant is not present in population databases (gnomAD no frequency). This variant has not been reported in the literature in individuals affected with POLE2-related conditions. An algorithm developed to predict the effect of missense changes on protein structure and function (PolyPhen-2) suggests that this variant is likely to be disruptive. Algorithms developed to predict the effect of sequence changes on RNA splicing suggest that this variant may disrupt the consensus splice site. In summary, the available evidence is currently insufficient to determine the role of this variant in disease. Therefore, it has been classified as a Variant of Uncertain Significance.